The following is an entry in ClinVar:

NM_002303.6(LEPR):c.371-9T>C

Gene: LEPR (leptin receptor; plus strand). Cytogenetic location: 1p31.3.
Variant type: single nucleotide variant.
Coding change: c.371-9T>C on transcript NM_002303.6 (MANE Select); 9 bases into the intron before coding-DNA position 371, T replaced by C.
Molecular consequence: intron variant.
Genome position (GRCh38, 1-based): chr1:65,572,317, T>C. VCF-style: chr1-65572317-T-C. GRCh37 (hg19) VCF-style: chr1-66038000-T-C.
Other names: c.371-9T>C (NM_001003679.3, NM_001003680.3, NM_001198689.2 and 2 more transcripts).
Identifiers: ClinVar variation 4996817 (VCV004996817.1).

ClinVar aggregate classification (germline): Likely benign (1 of 4 stars; one submission).

Conditions:
LEPR-related disorder. Also called: LEPR-related disorders; LEPR-related condition.

Submission:

PreventionGenetics, part of Exact Sciences
Classification: Likely benign for LEPR-related condition. Last evaluated: 2024-10-14. Review status: criteria provided, single submitter. Criteria: ACMG Guidelines, 2015. Collection method: clinical testing. Allele origin: germline.
Comment: This variant is classified as likely benign based on ACMG/AMP sequence variant interpretation guidelines (Richards et al. 2015 PMID: 25741868, with internal and published modifications).